The following is an entry in ClinVar:

NM_020699.4(GATAD2B):c.605T>C (p.Val202Ala)

Gene: GATAD2B (GATA zinc finger domain containing 2B; minus strand). Cytogenetic location: 1q21.3.
Variant type: single nucleotide variant.
Coding change: c.605T>C on transcript NM_020699.4 (MANE Select); coding-DNA position 605, T replaced by C.
Protein change: p.Val202Ala; replaces valine 202 with alanine.
Molecular consequence: missense variant.
Genome position (GRCh38, 1-based): chr1:153,818,164, A>G on the plus strand (T>C on the coding strand, the complement: GATAD2B is on the minus strand). VCF-style: chr1-153818164-A-G. GRCh37 (hg19) VCF-style: chr1-153790640-A-G.
Other names: c.605T>C (NM_020699.2); short protein forms V202A.
Identifiers: ClinVar variation 1898623 (VCV001898623.6), dbSNP rs1465214086, ClinGen allele CA342532306.

ClinVar aggregate classification (germline): Uncertain significance. Review status: criteria provided, multiple submitters, no conflicts (2 of 4 stars). 2 submissions from 2 submitters: Uncertain significance (2). Last evaluated 2026-06-15.

Conditions:
Inborn genetic diseases. Identifiers: MedGen C0950123, MeSH D030342.

Allele frequency attached by ClinVar (database versions not stated): TOPMed 0.00001; gnomAD 0.00001; gnomAD exomes 0.00001.
gnomAD v4.1: 9 of 1,600,888 alleles (0.00056%); highest among the groups gnomAD compares: Non-Finnish European, 0.00077%; 1 homozygote.

Submissions (2):

Ambry Genetics
Classification: Uncertain significance for Inborn genetic diseases. Last evaluated: 2026-06-15. Review status: criteria provided, single submitter. Criteria: Ambry Variant Classification Scheme 2023. Collection method: clinical testing. Allele origin: germline.
Comment: The c.605T>C (p.V202A) alteration is located in exon 5 (coding exon 4) of the GATAD2B gene. This alteration results from a T to C substitution at nucleotide position 605, causing the valine (V) at amino acid position 202 to be replaced by an alanine (A). Based on data from gnomAD, the C allele has an overall frequency of 0.003% (1/31388) total alleles studied. The highest observed frequency was 0.007% (1/15412) of European (non-Finnish) alleles. Based on insufficient or conflicting evidence, the clinical significance of this alteration remains unclear.

Labcorp Genetics (formerly Invitae), Labcorp
Classification: Uncertain significance. Last evaluated: 2024-12-03. Review status: criteria provided, single submitter. Criteria: Invitae Variant Classification Sherloc (09022015). Collection method: clinical testing. Allele origin: germline.
Comment: This sequence change replaces valine, which is neutral and non-polar, with alanine, which is neutral and non-polar, at codon 202 of the GATAD2B protein (p.Val202Ala). This variant is present in population databases (no rsID available, gnomAD 0.007%). This variant has not been reported in the literature in individuals affected with GATAD2B-related conditions. ClinVar contains an entry for this variant (Variation ID: 1898623). Invitae Evidence Modeling of protein sequence and biophysical properties (such as structural, functional, and spatial information, amino acid conservation, physicochemical variation, residue mobility, and thermodynamic stability) indicates that this missense variant is not expected to disrupt GATAD2B protein function with a negative predictive value of 80%. In summary, the available evidence is currently insufficient to determine the role of this variant in disease. Therefore, it has been classified as a Variant of Uncertain Significance.